The following is an entry in ClinVar:

ClinVar aggregate classification (germline): Pathogenic (1 of 4 stars; one submission).

Submissions (2):

GeneDx
Classification: Pathogenic. Last evaluated: 2014-04-14. Review status: criteria provided, single submitter. Criteria: GeneDx Variant Classification (06012015). Collection method: clinical testing. Allele origin: germline. Affected: yes.
Comment: c.64793-1 G>T: IVS275-1 G>T in intron 275 of the TTN gene (NM_001256850.1). Although the c.64793-1 G>T mutation has not been reported as a disease-causing mutation or as a benign polymorphism to our knowledge, this mutation destroys the canonical splice acceptor site in intron 275 and is predicted to cause abnormal gene splicing. The mutation is predicted to lead to either an abnormal message that is subject to nonsense-mediated mRNA decay, or to an abnormal protein product if the message is used for protein translation. Other truncating TTN variants have been reported in approximately 3% of control alleles (Herman D et al., 2012). However, c.64793-1 G>T is located in the A-band region of titin, where the majority of truncating mutations associated with DCM have been reported (Herman D et al., 2012).In summary, c.64793-1 G>T in the TTN gene is interpreted as a disease-causing mutation. The variant is found in CARDIOMYOPATHY panel(s).

Dr. Peter K. Rogan Lab, Western University
No classification provided (evidence only). Condition: Colon adenocarcinoma. Review status: no classification provided. Collection method: in vitro. Allele origin: not applicable. Functional consequence: retained intron. Not counted in ClinVar's aggregate classification.

NM_001267550.2(TTN):c.69716-1G>T

Genes: TTN (titin; minus strand), TTN-AS1 (TTN antisense RNA 1; plus strand), LOC126806422 (BRD4-independent group 4 enhancer GRCh37_chr2:179440205-179441404; plus strand). Cytogenetic location: 2q31.2.
Variant type: single nucleotide variant.
Coding change: c.69716-1G>T on transcript NM_001267550.2 (MANE Select); the canonical splice acceptor site of the intron before coding-DNA position 69716, G replaced by T.
Molecular consequence: splice acceptor variant.
Genome position (GRCh38, 1-based): chr2:178,576,417, C>A on the plus strand (G>T on the coding strand, the complement: TTN is on the minus strand). VCF-style: chr2-178576417-C-A. GRCh37 (hg19) VCF-style: chr2-179441144-C-A.
Other names: NC_000002.11:g.179441144C>A; c.42521-1G>T (NM_003319.4); c.43097-1G>T (NM_133437.4); c.42896-1G>T (NM_133432.3); c.62012-1G>T (NM_133378.4); c.64793-1G>T (NM_001256850.1).
Identifiers: ClinVar variation 202401 (VCV000202401.5), dbSNP rs794729282, ClinGen allele CA309302.
Genomic context (GRCh38, chr2:178,576,417, plus strand): 5'-AAGAAGCAGATTTCTTGGTAGTATCAGTGACATGCGGATTTGAAGGTGGTCCTGGAGGAT[C>A]TGAGAAAGAAACAAAGACACAAAAGTATATATTCAGAGTTTGGCTTTTGGGTAATTTAGA-3'